The following is an entry in ClinVar:

ClinVar aggregate classification (germline): Benign. Review status: criteria provided, multiple submitters, no conflicts (2 of 4 stars). 2 submissions from 2 submitters: Benign (2). Last evaluated 2018-01-13.

Conditions:
Hirschsprung disease, susceptibility to, 4. Identifiers: Orphanet 388, MedGen C3150975, MONDO:0013384, OMIM 613712.

Allele frequency attached by ClinVar (database versions not stated): gnomAD exomes 0.00287; gnomAD 0.00577 and 0.00600; 1000 Genomes Project 0.00958; TOPMed 0.01078; 1000 Genomes Project 30x 0.01140.
gnomAD v4.1: 4,721 of 1,494,034 alleles (0.32%); highest among the groups gnomAD compares: Admixed American, 8.1%; 233 homozygotes.

Submissions (2):

Illumina Laboratory Services, Illumina
Classification: Benign for Hirschsprung disease, susceptibility to, 4. Last evaluated: 2018-01-13. Review status: criteria provided, single submitter. Criteria: ICSL Variant Classification Criteria 13 December 2019. Collection method: clinical testing. Allele origin: germline.
Comment: This variant was observed in the ICSL laboratory as part of a predisposition screen in an ostensibly healthy population. It had not been previously curated by ICSL or reported in the Human Gene Mutation Database (HGMD: prior to June 1st, 2018), and was therefore a candidate for classification through an automated scoring system. Utilizing variant allele frequency, disease prevalence and penetrance estimates, and inheritance mode, an automated score was calculated to assess if this variant is too frequent to cause the disease. Based on the score and internal cut-off values, a variant classified as benign is not then subjected to further curation. The score for this variant resulted in a classification of benign for this disease.

Breakthrough Genomics
Classification: Benign. Review status: criteria provided, single submitter. Criteria: ACMG Guidelines, 2015. Collection method: not provided. Allele origin: germline. Inheritance: Autosomal recessive inheritance. Affected: yes.

NM_207034.3(EDN3):c.-77T>A

Gene: EDN3 (endothelin 3; plus strand). Cytogenetic location: 20q13.32.
Variant type: single nucleotide variant.
Coding change: c.-77T>A on transcript NM_207034.3 (MANE Select); 77 bases upstream of the start codon, T replaced by A.
Molecular consequence: 5 prime UTR variant.
Genome position (GRCh38, 1-based): chr20:59,300,736, T>A. VCF-style: chr20-59300736-T-A. GRCh37 (hg19) VCF-style: chr20-57875791-T-A.
Other names: c.-77T>A (NM_001302455.2, NM_001302456.2, NM_207032.3 and 1 more transcripts).
Identifiers: ClinVar variation 339119 (VCV000339119.6), dbSNP rs11570254, ClinGen allele CA10653316.